The following is an entry in ClinVar:

ClinVar aggregate classification (germline): Uncertain significance. Review status: criteria provided, multiple submitters, no conflicts (2 of 4 stars). 2 submissions from 2 submitters: Uncertain significance (2). Last evaluated 2024-01-03.

Conditions:
Primary ciliary dyskinesia. Also called: Ciliary dyskinesia. Identifiers: Orphanet 244, MedGen C0008780, MONDO:0016575, HP:0012265.

Allele frequency attached by ClinVar (database versions not stated): gnomAD 0.00001; TOPMed 0.00001; ExAC 0.00004.

Submissions (2):

Ambry Genetics
Classification: Uncertain significance for Primary ciliary dyskinesia. Last evaluated: 2024-01-03. Review status: criteria provided, single submitter. Criteria: Ambry Variant Classification Scheme 2023. Collection method: clinical testing. Allele origin: germline.

Labcorp Genetics (formerly Invitae), Labcorp
Classification: Uncertain significance for Primary ciliary dyskinesia. Last evaluated: 2022-02-20. Review status: criteria provided, single submitter. Criteria: Invitae Variant Classification Sherloc (09022015). Collection method: clinical testing. Allele origin: germline.
Comment: In summary, the available evidence is currently insufficient to determine the role of this variant in disease. Therefore, it has been classified as a Variant of Uncertain Significance. Algorithms developed to predict the effect of missense changes on protein structure and function (SIFT, PolyPhen-2, Align-GVGD) all suggest that this variant is likely to be tolerated. This variant has not been reported in the literature in individuals affected with CCDC114-related conditions. This variant is present in population databases (rs760007535, gnomAD 0.01%). This sequence change replaces alanine, which is neutral and non-polar, with serine, which is neutral and polar, at codon 376 of the CCDC114 protein (p.Ala376Ser).

NM_001364171.2(ODAD1):c.1237G>T (p.Ala413Ser)

Gene: ODAD1 (outer dynein arm docking complex subunit 1; minus strand). Cytogenetic location: 19q13.33.
Variant type: single nucleotide variant.
Coding change: c.1237G>T on transcript NM_001364171.2 (MANE Select); coding-DNA position 1237, G replaced by T.
Protein change: p.Ala413Ser; replaces alanine 413 with serine.
Molecular consequence: missense variant.
Genome position (GRCh38, 1-based): chr19:48,302,697, C>A on the plus strand (G>T on the coding strand, the complement: ODAD1 is on the minus strand). VCF-style: chr19-48302697-C-A. GRCh37 (hg19) VCF-style: chr19-48805954-C-A.
Other names: c.1126G>T (NM_144577.3); c.1126G>T, p.Ala376Ser (NM_144577.4); short protein forms A413S, A376S.
Identifiers: ClinVar variation 2142849 (VCV002142849.5), dbSNP rs760007535, ClinGen allele CA9548777.